The following is an entry in ClinVar:

NM_000540.3(RYR1):c.8555G>A (p.Arg2852Gln)

Genes: RYR1 (ryanodine receptor 1; plus strand), LOC126862902 (BRD4-independent group 4 enhancer GRCh37_chr19:38995830-38997029; plus strand). Cytogenetic location: 19q13.2.
Variant type: single nucleotide variant.
Coding change: c.8555G>A on transcript NM_000540.3 (MANE Select); coding-DNA position 8555, G replaced by A.
Protein change: p.Arg2852Gln; replaces arginine 2852 with glutamine.
Molecular consequence: missense variant.
Genome position (GRCh38, 1-based): chr19:38,506,316, G>A. VCF-style: chr19-38506316-G-A. GRCh37 (hg19) VCF-style: chr19-38996956-G-A.
Other names: c.8555G>A, p.Arg2852Gln (NM_001042723.2); short protein forms R2852Q.
Identifiers: ClinVar variation 1438351 (VCV001438351.6), dbSNP rs1465684137, ClinGen allele CA405679208.

ClinVar aggregate classification (germline): Uncertain significance (1 of 4 stars; one submission).

Conditions:
RYR1-related disorder. Also called: RYR1-related condition; RYR1-related disorders. Identifiers: MedGen CN239331.

Allele frequency attached by ClinVar (database versions not stated): gnomAD exomes below 0.00001 and 0.00001.
gnomAD v4.1: 10 of 1,613,526 alleles (0.00062%); highest among the groups gnomAD compares: East Asian, 0.0067%; no homozygotes.

Submission:

Labcorp Genetics (formerly Invitae), Labcorp
Classification: Uncertain significance for RYR1-related disorder. Last evaluated: 2024-08-30. Review status: criteria provided, single submitter. Criteria: Invitae Variant Classification Sherloc (09022015). Collection method: clinical testing. Allele origin: germline.
Comment: This sequence change replaces arginine, which is basic and polar, with glutamine, which is neutral and polar, at codon 2852 of the RYR1 protein (p.Arg2852Gln). This variant is present in population databases (no rsID available, gnomAD 0.007%). This variant has not been reported in the literature in individuals affected with RYR1-related conditions. ClinVar contains an entry for this variant (Variation ID: 1438351). Invitae Evidence Modeling of protein sequence and biophysical properties (such as structural, functional, and spatial information, amino acid conservation, physicochemical variation, residue mobility, and thermodynamic stability) indicates that this missense variant is not expected to disrupt RYR1 protein function with a negative predictive value of 95%. In summary, the available evidence is currently insufficient to determine the role of this variant in disease. Therefore, it has been classified as a Variant of Uncertain Significance.